The following is an entry in ClinVar:

NM_002788.4(PSMA3):c.319A>G (p.Ile107Val)

Gene: PSMA3 (proteasome 20S subunit alpha 3; plus strand). Cytogenetic location: 14q23.1.
Variant type: single nucleotide variant.
Coding change: c.319A>G on transcript NM_002788.4 (MANE Select); coding-DNA position 319, A replaced by G.
Protein change: p.Ile107Val; replaces isoleucine 107 with valine.
Molecular consequence: missense variant. On other transcripts: non-coding transcript variant (1).
Genome position (GRCh38, 1-based): chr14:58,257,835, A>G. VCF-style: chr14-58257835-A-G. GRCh37 (hg19) VCF-style: chr14-58724553-A-G.
Other names: c.319A>G, p.Ile107Val (NM_152132.3); c.319A>G (NM_002788.3); short protein forms I107V.
Identifiers: ClinVar variation 3620413 (VCV003620413.3).
Genomic context (GRCh38, chr14:58,257,835, plus strand): 5'-TCTTTAGCAGACATAGCAAGAGAAGAAGCTTCCAACTTCAGATCTAACTTTGGCTACAAC[A>G]TTCCACTAAAAGTAAGTTGATAACATATTGAGGAACCTTTTGGACAGTAATAGAAGTTTA-3'
Protein context (NP_002779.1, residues 97-117): SNFRSNFGYN[Ile107Val]PLKHLADRVA

ClinVar aggregate classification (germline): Uncertain significance. Review status: criteria provided, multiple submitters, no conflicts (2 of 4 stars). 2 submissions from 2 submitters: Uncertain significance (2). Last evaluated 2025-04-29.

gnomAD v4.1: 25 of 1,613,258 alleles (0.0015%); highest among the groups gnomAD compares: Non-Finnish European, 0.002%; no homozygotes.

Submissions (2):

Ambry Genetics
Classification: Uncertain significance. Last evaluated: 2025-04-29. Review status: criteria provided, single submitter. Criteria: Ambry Variant Classification Scheme 2023. Collection method: clinical testing. Allele origin: germline.

Labcorp Genetics (formerly Invitae), Labcorp
Classification: Uncertain significance. Last evaluated: 2024-02-02. Review status: criteria provided, single submitter. Criteria: Invitae Variant Classification Sherloc (09022015). Collection method: clinical testing. Allele origin: germline.
Comment: This sequence change replaces isoleucine, which is neutral and non-polar, with valine, which is neutral and non-polar, at codon 107 of the PSMA3 protein (p.Ile107Val). This variant is not present in population databases (gnomAD no frequency). This variant has not been reported in the literature in individuals affected with PSMA3-related conditions. An algorithm developed to predict the effect of missense changes on protein structure and function (PolyPhen-2) suggests that this variant is likely to be tolerated. In summary, the available evidence is currently insufficient to determine the role of this variant in disease. Therefore, it has been classified as a Variant of Uncertain Significance.